The following is an entry in ClinVar:

NM_000057.4(BLM):c.711_721del (p.Cys237fs)

Gene: BLM (BLM RecQ like helicase; plus strand). Cytogenetic location: 15q26.1.
Variant type: Deletion.
Coding change: c.711_721del on transcript NM_000057.4 (MANE Select); coding-DNA positions 711 to 721, 11 bases deleted (CATCGATGATG).
Protein change: p.Cys237fs; shifts the reading frame from cysteine 237.
Molecular consequence: frameshift variant. On other transcripts: 5 prime UTR variant (1).
Genome position (GRCh38, 1-based): chr15:90,749,979-90,749,989, CATCGATGATG deleted; deleting any 11 consecutive bases within chr15:90,749,977-90,749,989 gives the same sequence; the c. name uses the placement nearest the transcript's 3' end. VCF-style (leftmost placement, unchanged base first): chr15-90749976-TTGCATCGATGA-T. GRCh37 (hg19) VCF-style: chr15-91293206-TTGCATCGATGA-T.
Other names: c.711_721del, p.Cys237fs (NM_001287246.2, NM_001287247.2); c.-581_-571del (NM_001287248.2); short protein forms C237fs.
Identifiers: ClinVar variation 4813019 (VCV004813019.1).

ClinVar aggregate classification (germline): Pathogenic (1 of 4 stars; one submission).

Conditions:
Bloom syndrome (BLM). Also called: Bloom-Torre-Machacek syndrome. Identifiers: Orphanet 125, MedGen C0005859, MONDO:0008876, OMIM 210900.

Submission:

Myriad Genetics, Inc.
Classification: Pathogenic for Bloom syndrome. Last evaluated: 2025-12-12. Review status: criteria provided, single submitter. Criteria: Myriad Autosomal Dominant, Autosomal Recessive and X-Linked Classification Criteria (2023). Collection method: clinical testing. Allele origin: unknown.
Comment: This variant is considered pathogenic. This variant creates a frameshift predicted to result in premature protein truncation.